The following is an entry in ClinVar:

NM_001267550.2(TTN):c.4969G>C (p.Glu1657Gln)

Gene: TTN (titin; minus strand). Cytogenetic location: 2q31.2.
Variant type: single nucleotide variant.
Coding change: c.4969G>C on transcript NM_001267550.2 (MANE Select); coding-DNA position 4969, G replaced by C.
Protein change: p.Glu1657Gln; replaces glutamic acid 1657 with glutamine.
Molecular consequence: missense variant.
Genome position (GRCh38, 1-based): chr2:178,776,895, C>G on the plus strand (G>C on the coding strand, the complement: TTN is on the minus strand). VCF-style: chr2-178776895-C-G. GRCh37 (hg19) VCF-style: chr2-179641622-C-G.
Other names: c.4969G>C, p.Glu1657Gln (NM_001256850.1, NM_133378.4, NM_133379.5); c.4831G>C, p.Glu1611Gln (NM_003319.4, NM_133432.3, NM_133437.4); short protein forms E1611Q, E1657Q.
Identifiers: ClinVar variation 4822537 (VCV004822537.4).

ClinVar aggregate classification (germline): Uncertain significance (1 of 4 stars; one submission).

gnomAD v4.1: 1 of 1,612,782 alleles (0.000062%); highest among the groups gnomAD compares: Non-Finnish European, 0.000085%; no homozygotes.

Submission:

CeGaT Center for Human Genetics Tuebingen
Classification: Uncertain significance. Last evaluated: 2026-03-01. Review status: criteria provided, single submitter. Criteria: CeGaT Center For Human Genetics Tuebingen Variant Classification Criteria Version 2. Collection method: clinical testing. Allele origin: germline. Affected: yes. Observed: 1 variant allele.
Comment: TTN: PM2